The following is an entry in ClinVar:

ClinVar aggregate classification (germline): Uncertain significance (1 of 4 stars; one submission).

Submission:

Women's Health and Genetics/Laboratory Corporation of America, LabCorp
Classification: Uncertain significance. Last evaluated: 2024-04-04. Review status: criteria provided, single submitter. Criteria: LabCorp Variant Classification Summary - May 2015. Collection method: clinical testing. Allele origin: germline.
Comment: Variant summary: The variant involves the duplication of exon 18 in the SLC30A9 gene. A presumed nomenclature of c.(1662+1_1663-1)_(*4336_?)dup has been designated for the purposes of this classification. The exact breakpoint at the 3' end of this variant is unknown, therefore this duplication may extend downstream of the annotated region of the gene. As it duplicates the termination codon, its effect on the encoded protein is unknown. The variant was absent in 21544 control chromosomes (gnomAD SVs v2). The available data on variant occurrences in the general population are insufficient to allow any conclusion about variant significance. To our knowledge, no occurrence of c.(1662+1_1663-1)_(*4336_?)dup in individuals affected with Psychomotor Regression-Oculomotor Apraxia-Movement Disorder-Nephropathy Syndrome and no experimental evidence demonstrating its impact on protein function have been reported. No submitters have cited clinical-significance assessments for this variant to ClinVar. Based on the evidence outlined above, the variant was classified as uncertain significance.

NC_000004.11:g.(42080343_42088098)_(42092479_?)dup

Gene: SLC30A9 (solute carrier family 30 member 9; plus strand). Cytogenetic location: 4p13.
Variant type: Duplication.
Identifiers: ClinVar variation 3251516 (VCV003251516.1).